The following is an entry in ClinVar:

ClinVar aggregate classification (germline): Uncertain significance (1 of 4 stars; one submission).

Submission:

GeneDx
Classification: Uncertain significance. Last evaluated: 2022-01-05. Review status: criteria provided, single submitter. Criteria: GeneDx Variant Classification Process June 2021. Collection method: clinical testing. Allele origin: germline. Affected: yes.
Comment: Not observed at significant frequency in large population cohorts (gnomAD); In silico analysis supports that this missense variant does not alter protein structure/function; Has not been previously published as pathogenic or benign to our knowledge

NM_019066.5(MAGEL2):c.2693G>T (p.Ser898Ile)

Gene: MAGEL2 (MAGE family member L2; minus strand). Cytogenetic location: 15q11.2.
Variant type: single nucleotide variant.
Coding change: c.2693G>T on transcript NM_019066.5 (MANE Select); coding-DNA position 2693, G replaced by T.
Protein change: p.Ser898Ile; replaces serine 898 with isoleucine.
Molecular consequence: missense variant.
Genome position (GRCh38, 1-based): chr15:23,645,050, C>A on the plus strand (G>T on the coding strand, the complement: MAGEL2 is on the minus strand). VCF-style: chr15-23645050-C-A. GRCh37 (hg19) VCF-style: chr15-23890197-C-A.
Other names: short protein forms S898I.
Identifiers: ClinVar variation 1695636 (VCV001695636.2), dbSNP rs1291112415, ClinGen allele CA391330495.
Genomic context (GRCh38, chr15:23,645,050, plus strand): 5'-TTTAGATTCTCCCAGGGCCTTGGGCCCTGCCAGTCATGAAAGGCTAGCGTGTGGCCACGG[C>A]TGTCCTCTTGGGCTTCCAGATGCTTCTTCTTCCGGGTGGCCTTGCCGGAGCGGCGTGGCG-3'
Protein context (NP_061939.3, residues 888-908): KKKHLEAQED[Ser898Ile]RGHTLAFHDW